The following is an entry in ClinVar:

ClinVar aggregate classification (germline): Uncertain significance. Review status: criteria provided, multiple submitters, no conflicts (2 of 4 stars). 2 submissions from 2 submitters: Uncertain significance (2). Last evaluated 2025-03-26.

Conditions:
Epidermolysis bullosa simplex 5B, with muscular dystrophy (EBS5B). Also called: EPIDERMOLYSIS BULLOSA SIMPLEX AND LIMB-GIRDLE MUSCULAR DYSTROPHY; Epidermolysis bullosa simplex with muscular dystrophy. Identifiers: Orphanet 257, MedGen C2931072, MONDO:0009181, OMIM 226670.
Epidermolysis bullosa simplex, Ogna type (EBS5A). Also called: Pidermolysis bullosa simplex 5A, Ogna type; EPIDERMOLYSIS BULLOSA SIMPLEX 5A, OGNA TYPE. Identifiers: Orphanet 79401, MedGen C0432317, MONDO:0007555, OMIM 131950.
Epidermolysis bullosa simplex 5C, with pyloric atresia (EBS5C). Also called: PLEC-Related Epidermolysis Bullosa with Pyloric Atresia; Epidermolysis bullosa simplex with pyloric atresia; PLEC1-Related Epidermolysis Bullosa with Pyloric Atresia. Identifiers: Orphanet 158684, MedGen C2677349, MONDO:0012807, OMIM 612138.
Autosomal recessive limb-girdle muscular dystrophy type 2Q (LGMDR17). Also called: MUSCULAR DYSTROPHY, LIMB-GIRDLE, AUTOSOMAL RECESSIVE 17. Identifiers: Orphanet 254361, MedGen C3150989, MONDO:0013390, OMIM 613723.
Epidermolysis bullosa simplex with nail dystrophy (EBS5D). Identifiers: MedGen C4225309, MONDO:0014661, OMIM 616487.

Submissions (2):

Revvity Omics, Revvity
Classification: Uncertain significance. Last evaluated: 2025-03-26. Review status: criteria provided, single submitter. Criteria: ACMG Guidelines, 2015. Collection method: clinical testing. Allele origin: germline.

Labcorp Genetics (formerly Invitae), Labcorp
Classification: Uncertain significance for Autosomal recessive limb-girdle muscular dystrophy type 2Q; Epidermolysis bullosa simplex, Ogna type; Epidermolysis bullosa simplex with nail dystrophy; Epidermolysis bullosa simplex 5C, with pyloric atresia; Epidermolysis bullosa simplex 5B, with muscular dystrophy. Last evaluated: 2025-03-24. Review status: criteria provided, single submitter. Criteria: Invitae Variant Classification Sherloc (09022015). Collection method: clinical testing. Allele origin: germline.
Comment: This variant, c.5486_5488del, results in the deletion of 1 amino acid(s) of the PLEC protein (p.Glu1829del), but otherwise preserves the integrity of the reading frame. The frequency data for this variant in the population databases is considered unreliable, as metrics indicate poor data quality at this position in the gnomAD database. This variant has not been reported in the literature in individuals affected with PLEC-related conditions. Experimental studies and prediction algorithms are not available or were not evaluated, and the functional significance of this variant is currently unknown. In summary, the available evidence is currently insufficient to determine the role of this variant in disease. Therefore, it has been classified as a Variant of Uncertain Significance.

NM_201384.3(PLEC):c.5402AGG[1] (p.Glu1802del)

Gene: PLEC (plectin; minus strand). Cytogenetic location: 8q24.3.
Variant type: Microsatellite.
Coding change: c.5402AGG[1] on transcript NM_201384.3 (MANE Select); one copy of the 3-base unit AGG starting at c.5402; the reference has two copies in a row; one copy, 3 bases deleted.
Protein change: p.Glu1802del; deletes glutamic acid 1802.
Molecular consequence: inframe deletion.
Genome position (GRCh38, 1-based): chr8:143,924,522-143,924,524, CCT deleted on the plus strand (AGG on the coding strand, the reverse complement: PLEC is on the minus strand); deleting any 3 consecutive bases within chr8:143,924,522-143,924,528 gives the same sequence; the position shown is the placement nearest the transcript's 3' end. VCF-style (leftmost placement, unchanged base first): chr8-143924521-GCCT-G. GRCh37 (hg19) VCF-style: chr8-144998689-GCCT-G.
Other names: c.5486_5488del (NM_000445.5); c.5483AGG[1], p.Glu1829del (NM_000445.5); c.5360AGG[1], p.Glu1788del (NM_201378.4); c.5336AGG[1], p.Glu1780del (NM_201379.3); c.5813AGG[1], p.Glu1939del (NM_201380.4); c.5306AGG[1], p.Glu1770del (NM_201381.3); c.5402AGG[1], p.Glu1802del (NM_201382.4); c.5414AGG[1], p.Glu1806del (NM_201383.3); short protein forms E1770del, E1939del, E1806del, E1788del, E1829del, E1780del, E1802del.
Identifiers: ClinVar variation 2057316 (VCV002057316.5), dbSNP rs1373159987, ClinGen allele CA586158291.